The following is an entry in ClinVar:

ClinVar aggregate classification (germline): Likely benign. Review status: criteria provided, single submitter (1 of 4 stars). 2 submissions from 2 submitters: Likely benign (1). 1 of the submissions does not count toward it. Last evaluated 2024-06-05.

Conditions:
MACF1-related disorder. Also called: MACF1-related condition.

Allele frequency attached by ClinVar (database versions not stated): ExAC 0.00007; ESP Exome Variant Server 0.00008; TOPMed 0.00010; gnomAD 0.00013.
gnomAD v4.1: 130 of 1,612,732 alleles (0.0081%); highest among the groups gnomAD compares: Non-Finnish European, 0.01%; no homozygotes.

Submissions (2):

Blueprint Genetics
Classification: Likely benign. Last evaluated: 2024-06-05. Review status: criteria provided, single submitter. Criteria: ACMG Guidelines, 2015. Collection method: clinical testing. Allele origin: germline.

PreventionGenetics, part of Exact Sciences
Classification: Likely benign for MACF1-related condition. Last evaluated: 2019-06-18. Review status: no assertion criteria provided. Collection method: clinical testing. Allele origin: germline. Not counted in ClinVar's aggregate classification.
Comment: This variant is classified as likely benign based on ACMG/AMP sequence variant interpretation guidelines (Richards et al. 2015 PMID: 25741868, with internal and published modifications).

NM_001394062.1(MACF1):c.15979-10C>A

Gene: MACF1 (microtubule actin crosslinking factor 1; plus strand). Cytogenetic location: 1p34.3.
Variant type: single nucleotide variant.
Coding change: c.15979-10C>A on transcript NM_001394062.1 (MANE Select); 10 bases into the intron before coding-DNA position 15979, C replaced by A.
Molecular consequence: intron variant.
Genome position (GRCh38, 1-based): chr1:39,422,720, C>A. VCF-style: chr1-39422720-C-A. GRCh37 (hg19) VCF-style: chr1-39888392-C-A.
Other names: c.9793-10C>A (NM_012090.5); c.4375-10C>A (NM_001397473.1).
Identifiers: ClinVar variation 3033591 (VCV003033591.3), dbSNP rs370537100, ClinGen allele CA783240.